The following is an entry in ClinVar:

ClinVar aggregate classification (germline): Uncertain significance. Review status: criteria provided, multiple submitters, no conflicts (2 of 4 stars). 2 submissions from 2 submitters: Uncertain significance (2). Last evaluated 2024-05-29.

Conditions:
Neuronal ceroid lipofuscinosis. Also called: Neuronal Ceroid Lipofuscinoses. Identifiers: Orphanet 216, Orphanet 79263, MedGen C0027877, MONDO:0016295. Disease mechanism: loss of function.

Allele frequency attached by ClinVar (database versions not stated): gnomAD exomes below 0.00001; gnomAD 0.00001; TOPMed 0.00001.
gnomAD v4.1: 3 of 1,613,522 alleles (0.00019%); highest among the groups gnomAD compares: Middle Eastern, 0.016%; no homozygotes.

Submissions (2):

Women's Health and Genetics/Laboratory Corporation of America, LabCorp
Classification: Uncertain significance. Last evaluated: 2024-05-29. Review status: criteria provided, single submitter. Criteria: LabCorp Variant Classification Summary - May 2015. Collection method: clinical testing. Allele origin: germline.
Comment: Variant summary: CTSD c.1064C>T (p.Thr355Met) results in a non-conservative amino acid change located in the Peptidase family A1 domain (IPR033121) of the encoded protein sequence. Three of five in-silico tools predict a damaging effect of the variant on protein function. The variant was absent in 250026 control chromosomes. The available data on variant occurrences in the general population are insufficient to allow any conclusion about variant significance. c.1064C>T has been reported in the literature in an individual with clinical features of Neuronal Ceroid-Lipofuscinosis (Batten Disease). These data do not allow any conclusion about variant significance. To our knowledge, no experimental evidence demonstrating an impact on protein function has been reported. The following publication have been ascertained in the context of this evaluation (PMID: 32421885). ClinVar contains an entry for this variant (Variation ID: 2150593). Based on the evidence outlined above, the variant was classified as uncertain significance.

Labcorp Genetics (formerly Invitae), Labcorp
Classification: Uncertain significance for Neuronal ceroid lipofuscinosis. Last evaluated: 2022-05-16. Review status: criteria provided, single submitter. Criteria: Invitae Variant Classification Sherloc (09022015). Collection method: clinical testing. Allele origin: germline.
Comment: This sequence change replaces threonine, which is neutral and polar, with methionine, which is neutral and non-polar, at codon 355 of the CTSD protein (p.Thr355Met). This variant is not present in population databases (gnomAD no frequency). This missense change has been observed in individual(s) with clinical features of neuronal ceroid lipofuscinosis (PMID: 32421885). In at least one individual the data is consistent with being in trans (on the opposite chromosome) from a pathogenic variant. Algorithms developed to predict the effect of missense changes on protein structure and function are either unavailable or do not agree on the potential impact of this missense change (SIFT: "Tolerated"; PolyPhen-2: "Probably Damaging"; Align-GVGD: "Class C0"). In summary, the available evidence is currently insufficient to determine the role of this variant in disease. Therefore, it has been classified as a Variant of Uncertain Significance.

Literature cited by the submitters: PubMed 32421885 (cited by Women's Health and Genetics/Laboratory Corporation of America, LabCorp and Labcorp Genetics (formerly Invitae), Labcorp).

NM_001909.5(CTSD):c.1064C>T (p.Thr355Met)

Gene: CTSD (cathepsin D; minus strand). Cytogenetic location: 11p15.5.
Variant type: single nucleotide variant.
Coding change: c.1064C>T on transcript NM_001909.5 (MANE Select); coding-DNA position 1064, C replaced by T.
Protein change: p.Thr355Met; replaces threonine 355 with methionine.
Molecular consequence: missense variant.
Genome position (GRCh38, 1-based): chr11:1,753,810, G>A on the plus strand (C>T on the coding strand, the complement: CTSD is on the minus strand). VCF-style: chr11-1753810-G-A. GRCh37 (hg19) VCF-style: chr11-1775040-G-A.
Other names: short protein forms T355M.
Identifiers: ClinVar variation 2150593 (VCV002150593.2), dbSNP rs1318388119, ClinGen allele CA379092849.
Genomic context (GRCh38, chr11:1,753,810, plus strand): 5'-GCCCCCTCACCGCCCGCTCACCTGGGGCGTGCGGCACCCCATTGCCCGCTCACCTTGAGC[G>A]TGTAGTCCTCTGGGGACAGCTTGTAGCCTTTGCCTCCCAGCTTCAGTGTGATCGCGGGCA-3'
Protein context (NP_001900.1, residues 345-365): KGYKLSPEDY[Thr355Met]LKVSQAGKTL